The following is an entry in ClinVar:

NM_002234.4(KCNA5):c.381C>T (p.Ser127=)

Gene: KCNA5 (potassium voltage-gated channel subfamily A member 5; plus strand). Cytogenetic location: 12p13.32.
Variant type: single nucleotide variant.
Coding change: c.381C>T on transcript NM_002234.4 (MANE Select); coding-DNA position 381, C replaced by T.
Protein change: p.Ser127=; no amino-acid change (serine 127 retained).
Molecular consequence: synonymous variant.
Genome position (GRCh38, 1-based): chr12:5,044,528, C>T. VCF-style: chr12-5044528-C-T. GRCh37 (hg19) VCF-style: chr12-5153694-C-T.
Identifiers: ClinVar variation 309336 (VCV000309336.30), dbSNP rs45504599, ClinGen allele CA6399602.

ClinVar aggregate classification (germline): Benign/Likely benign. Review status: criteria provided, multiple submitters, no conflicts (2 of 4 stars). 9 submissions from 9 submitters: Benign (4); Likely benign (3). 2 of the submissions do not count toward it. Last evaluated 2026-02-03.

Conditions:
Atrial fibrillation, familial, 7 (ATFB7). Identifiers: MedGen C2677106, MONDO:0012828, OMIM 612240.

Allele frequency attached by ClinVar (database versions not stated): gnomAD 0.02823 and 0.02738; ESP Exome Variant Server 0.03070; 1000 Genomes Project 30x 0.01437; 1000 Genomes Project 0.01478; TOPMed 0.02565.

Submissions (9):

Labcorp Genetics (formerly Invitae), Labcorp
Classification: Benign for Atrial fibrillation, familial, 7. Last evaluated: 2026-02-03. Review status: criteria provided, single submitter. Criteria: Invitae Variant Classification Sherloc (09022015). Collection method: clinical testing. Allele origin: germline.

Blueprint Genetics
Classification: Likely benign. Last evaluated: 2024-11-27. Review status: criteria provided, single submitter. Criteria: ACMG Guidelines, 2015. Collection method: clinical testing. Allele origin: germline.

ARUP Laboratories, Molecular Genetics and Genomics, ARUP Laboratories
Classification: Benign for Atrial fibrillation, familial, 7. Last evaluated: 2023-09-30. Review status: criteria provided, single submitter. Criteria: ARUP Molecular Germline Variant Investigation Process 2024. Collection method: clinical testing. Allele origin: germline.

Women's Health and Genetics/Laboratory Corporation of America, LabCorp
Classification: Benign. Last evaluated: 2023-04-05. Review status: criteria provided, single submitter. Criteria: LabCorp Variant Classification Summary - May 2015. Collection method: clinical testing. Allele origin: germline.
Comment: Variant summary: KCNA5 c.381C>T alters a non-conserved nucleotide resulting in a synonymous change. 4/4 computational tools predict no significant impact on normal splicing. However, these predictions have yet to be confirmed by functional studies. The variant allele was found at a frequency of 0.026 in 249732 control chromosomes in the gnomAD database, including 115 homozygotes. The observed variant frequency is approximately 275-fold of the estimated maximal expected allele frequency for a pathogenic variant in KCNA5 causing Atrial Fibrillation phenotype (9.4e-05), strongly suggesting that the variant is benign. c.381C>T has been reported in the literature in individuals affected with Atrial Fibrillation or pulmonary arterial hypertension without evidence of causality and with other co-occurring variants (Winkel_2011, Wang_2016). These reports do not provide unequivocal conclusions about association of the variant with Atrial Fibrillation. To our knowledge, no experimental evidence demonstrating an impact on protein function has been reported. Four submitters have provided clinical-significance assessments for this variant to ClinVar after 2014 without evidence for independent evaluation, and classified the variant as benign/likely benign. Based on the evidence outlined above, the variant was classified as benign.

GeneDx
Classification: Benign. Last evaluated: 2020-09-23. Review status: criteria provided, single submitter. Criteria: GeneDx Variant Classification Process June 2021. Collection method: clinical testing. Allele origin: germline. Affected: yes.
Comment: This variant is associated with the following publications: (PMID: 28768485, 24068186, 15735608)

Illumina Laboratory Services, Illumina
Classification: Likely benign for Atrial fibrillation, familial, 7. Last evaluated: 2018-01-12. Review status: criteria provided, single submitter. Criteria: ICSL Variant Classification Criteria 13 December 2019. Collection method: clinical testing. Allele origin: germline.
Comment: This variant was observed in the ICSL laboratory as part of a predisposition screen in an ostensibly healthy population. It had not been previously curated by ICSL or reported in the Human Gene Mutation Database (HGMD: prior to June 1st, 2018), and was therefore a candidate for classification through an automated scoring system. Utilizing variant allele frequency, disease prevalence and penetrance estimates, and inheritance mode, an automated score was calculated to assess if this variant is too frequent to cause the disease. Based on the score and internal cut-off values, a variant classified as likely benign is not then subjected to further curation. The score for this variant resulted in a classification of likely benign for this disease.

Breakthrough Genomics
Classification: Likely benign. Review status: criteria provided, single submitter. Criteria: ACMG Guidelines, 2015. Collection method: not provided. Allele origin: germline. Inheritance: Autosomal dominant inheritance. Affected: yes.

Clinical Genetics, Academic Medical Center
Classification: Benign. Review status: no assertion criteria provided. Collection method: clinical testing. Allele origin: germline. Affected: yes. Study: VKGL Data-share Consensus. Not counted in ClinVar's aggregate classification.

Joint Genome Diagnostic Labs from Nijmegen and Maastricht, Radboudumc and MUMC+
Classification: Benign. Review status: no assertion criteria provided. Collection method: clinical testing. Allele origin: germline. Affected: yes. Study: VKGL Data-share Consensus. Not counted in ClinVar's aggregate classification.

Literature cited by the submitters: PubMed 26801773 (cited by Women's Health and Genetics/Laboratory Corporation of America, LabCorp); PubMed 21306642 (cited by Women's Health and Genetics/Laboratory Corporation of America, LabCorp).